The following is an entry in ClinVar:

NM_001371928.1(AHDC1):c.3646G>A (p.Gly1216Ser)

Gene: AHDC1 (AT-hook DNA binding motif containing 1; minus strand). Cytogenetic location: 1p36.11.
Variant type: single nucleotide variant.
Coding change: c.3646G>A on transcript NM_001371928.1 (MANE Select); coding-DNA position 3646, G replaced by A.
Protein change: p.Gly1216Ser; replaces glycine 1216 with serine.
Molecular consequence: missense variant.
Genome position (GRCh38, 1-based): chr1:27,548,470, C>T on the plus strand (G>A on the coding strand, the complement: AHDC1 is on the minus strand). VCF-style: chr1-27548470-C-T. GRCh37 (hg19) VCF-style: chr1-27874981-C-T.
Other names: c.3646G>A, p.Gly1216Ser (NM_001029882.3); c.-398G>A (NM_015699.1); short protein forms G1216S.
Identifiers: ClinVar variation 2974683 (VCV002974683.3), dbSNP rs150667477, ClinGen allele CA715524.

ClinVar aggregate classification (germline): Uncertain significance (1 of 4 stars; one submission).

Allele frequency attached by ClinVar (database versions not stated): ExAC 0.00001; gnomAD exomes 0.00001; TOPMed 0.00002; gnomAD 0.00003; ESP Exome Variant Server 0.00015.
gnomAD v4.1: 21 of 1,613,724 alleles (0.0013%); highest among the groups gnomAD compares: Middle Eastern, 0.016%; no homozygotes.

Submission:

Labcorp Genetics (formerly Invitae), Labcorp
Classification: Uncertain significance. Last evaluated: 2023-10-20. Review status: criteria provided, single submitter. Criteria: Invitae Variant Classification Sherloc (09022015). Collection method: clinical testing. Allele origin: germline.
Comment: This sequence change replaces glycine, which is neutral and non-polar, with serine, which is neutral and polar, at codon 1216 of the AHDC1 protein (p.Gly1216Ser). This variant is present in population databases (rs150667477, gnomAD 0.003%). This variant has not been reported in the literature in individuals affected with AHDC1-related conditions. An algorithm developed to predict the effect of missense changes on protein structure and function (PolyPhen-2) suggests that this variant is likely to be disruptive. In summary, the available evidence is currently insufficient to determine the role of this variant in disease. Therefore, it has been classified as a Variant of Uncertain Significance.